The following is an entry in ClinVar:

NM_001010874.5(TECRL):c.529A>G (p.Arg177Gly)

Gene: TECRL (trans-2,3-enoyl-CoA reductase like; minus strand). Cytogenetic location: 4q13.1.
Variant type: single nucleotide variant.
Coding change: c.529A>G on transcript NM_001010874.5 (MANE Select); coding-DNA position 529, A replaced by G.
Protein change: p.Arg177Gly; replaces arginine 177 with glycine.
Molecular consequence: missense variant.
Genome position (GRCh38, 1-based): chr4:64,314,670, T>C on the plus strand (A>G on the coding strand, the complement: TECRL is on the minus strand). VCF-style: chr4-64314670-T-C. GRCh37 (hg19) VCF-style: chr4-65180388-T-C.
Other names: c.529A>G, p.Arg177Gly (NM_001363796.1); short protein forms R177G.
Identifiers: ClinVar variation 4615099 (VCV004615099.1).

ClinVar aggregate classification (germline): Uncertain significance (1 of 4 stars; one submission).

Conditions:
Cardiovascular phenotype. Identifiers: MedGen CN230736.

Submission:

Ambry Genetics
Classification: Uncertain significance for Cardiovascular phenotype. Last evaluated: 2025-12-07. Review status: criteria provided, single submitter. Criteria: Ambry Variant Classification Scheme 2023. Collection method: clinical testing. Allele origin: germline.
Comment: The p.R177G variant (also known as c.529A>G), located in coding exon 5 of the TECRL gene, results from an A to G substitution at nucleotide position 529. The arginine at codon 177 is replaced by glycine, an amino acid with dissimilar properties. This amino acid position is conserved. In addition, this alteration is predicted to be tolerated by in silico analysis. Based on the available evidence, the clinical significance of this variant remains unclear.